The following is an entry in ClinVar:

NM_194248.3(OTOF):c.1111G>C (p.Gly371Arg)

Gene: OTOF (otoferlin; minus strand). Cytogenetic location: 2p23.3.
Variant type: single nucleotide variant.
Coding change: c.1111G>C on transcript NM_194248.3 (MANE Select); coding-DNA position 1111, G replaced by C.
Protein change: p.Gly371Arg; replaces glycine 371 with arginine.
Molecular consequence: missense variant.
Genome position (GRCh38, 1-based): chr2:26,484,568, C>G on the plus strand (G>C on the coding strand, the complement: OTOF is on the minus strand). VCF-style: chr2-26484568-C-G. GRCh37 (hg19) VCF-style: chr2-26707436-C-G.
Other names: c.1111G>C, p.Gly371Arg (NM_001287489.2); short protein forms G371R.
Identifiers: ClinVar variation 252378 (VCV000252378.1), dbSNP rs879255246, ClinGen allele CA10585888.

ClinVar aggregate classification (germline): Pathogenic (0 of 4 stars; one submission).

Conditions:
Hearing loss, autosomal recessive. Also called: Deafness, autosomal recessive; Autosomal recessive nonsyndromic deafness; Nonsyndromic Hearing Loss, Recessive; Rare autosomal recessive non-syndromic sensorineural deafness type DFNB. Identifiers: Orphanet 90635, Orphanet 90636, MedGen C1846647, MONDO:0019588, OMIM 607197.

gnomAD v4.1: 2 of 1,613,950 alleles (0.00012%); highest among the groups gnomAD compares: South Asian, 0.0022%; no homozygotes.

Submission:

University of Arizona Genetics Core, University of Arizona
Classification: Pathogenic for Deafness, autosomal recessive. Review status: no assertion criteria provided. Criteria: research. Collection method: research. Allele origin: germline. Affected: yes. Observed: 11 variant alleles, 7 heterozygotes, 4 homozygotes. Clinical features observed: Nonsyndromic hearing loss. Study: Whole-exome sequencing revealed point mutations in RAI1, OTOF, and SLC26A4 genes as the causes of nonsyndromic hearing loss in Altaian families (Southern Siberia).
Comment: The variant found in OTOF gene has autosomal recessive form of inheritance and should be assigned to a well characterized disorder Deafness, autosomal recessive 9 (MIM:601071)

DNA samples were analyzed from Altaian families diagnosed with nonsyndromic hearing loss. Prior to the analysis the samples were confirmed to be GJB2-negative by Sanger sequencing. Based on assumption of a strong founder effect a number of novel homozygous variants have been found in candidate genes previously associated with hearing loss. The variants co-segregated with the large pedigree families.

Literature cited by the submitters: PubMed 27082237.